The following is an entry in ClinVar:

NM_000277.3(PAH):c.843-6T>C

Genes: PAH (phenylalanine hydroxylase; minus strand), LOC126861615 (CDK7 strongly-dependent group 2 enhancer GRCh37_chr12:103244689-103245888; plus strand). Cytogenetic location: 12q23.2.
Variant type: single nucleotide variant.
Coding change: c.843-6T>C on transcript NM_000277.3 (MANE Select); 6 bases into the intron before coding-DNA position 843, T replaced by C.
Molecular consequence: intron variant.
Genome position (GRCh38, 1-based): chr12:102,851,762, A>G on the plus strand (T>C on the coding strand, the complement: PAH is on the minus strand). VCF-style: chr12-102851762-A-G. GRCh37 (hg19) VCF-style: chr12-103245540-A-G.
Other names: c.843-6T>C (NM_001354304.2).
Identifiers: ClinVar variation 1065377 (VCV001065377.1), dbSNP rs2136645004, ClinGen allele CA1139533026.

ClinVar aggregate classification (germline): Uncertain significance (3 of 4 stars; one submission).

Conditions:
Phenylketonuria (PKU). Also called: Phenylketonurias; Phenylketonuria (PKU); OLIGOPHRENIA PHENYLPYRUVICA; FOLLING DISEASE. Identifiers: Orphanet 716, MedGen C0031485, MONDO:0009861, OMIM 261600. Disease mechanism: loss of function.

Submission:

ClinGen PAH Variant Curation Expert Panel
Classification: Uncertain significance for Phenylketonuria. Last evaluated: 2020-12-09. Review status: reviewed by expert panel. Criteria: ClinGen PAH ACMG Specifications v1. Collection method: curation. Allele origin: germline. Inheritance: Autosomal recessive inheritance.
Comment: A defect in BH4 metabolism was excluded through a BH4 loading test, urinary pterin analysis, and DHPR activity assay. This variant is absent from population databases gnomAD, 1000 Genomes and ESP. Splicing prediction algorithms are conflicting. In summary, this variant meets criteria to be classified as uncertain significance for PAH. PAH-specific ACMG/AMP criteria applied: PM2, PP4_moderate.